The following is an entry in ClinVar:

NM_001042413.2(GLIS3):c.2686C>T (p.Leu896Phe)

Gene: GLIS3 (GLIS family zinc finger 3; minus strand). Cytogenetic location: 9p24.2.
Variant type: single nucleotide variant.
Coding change: c.2686C>T on transcript NM_001042413.2 (MANE Select); coding-DNA position 2686, C replaced by T.
Protein change: p.Leu896Phe; replaces leucine 896 with phenylalanine.
Molecular consequence: missense variant.
Genome position (GRCh38, 1-based): chr9:3,828,379, G>A on the plus strand (C>T on the coding strand, the complement: GLIS3 is on the minus strand). VCF-style: chr9-3828379-G-A. GRCh37 (hg19) VCF-style: chr9-3828379-G-A.
Other names: c.2221C>T, p.Leu741Phe (NM_152629.4); short protein forms L896F, L741F.
Identifiers: ClinVar variation 129155 (VCV000129155.25), dbSNP rs76094493, ClinGen allele CA152979.

ClinVar aggregate classification (germline): Benign. Review status: criteria provided, multiple submitters, no conflicts (2 of 4 stars). 9 submissions from 9 submitters: Benign (5). 4 of the submissions do not count toward it. Last evaluated 2026-02-01.

Conditions:
GLIS3-related disorder. Also called: GLIS3-related condition.
Monogenic diabetes. Identifiers: Orphanet 183625, MedGen C3888631, MONDO:0015967.
Neonatal diabetes mellitus with congenital hypothyroidism. Also called: NDH SYNDROME. Identifiers: Orphanet 79118, MedGen C1857775, MONDO:0012436, OMIM 610199.

Allele frequency attached by ClinVar (database versions not stated): ExAC 0.01139; gnomAD 0.03652 and 0.03919; 1000 Genomes Project 0.04014; TOPMed 0.04026; 1000 Genomes Project 30x 0.04154; ESP Exome Variant Server 0.04183.
gnomAD v4.1: 10,662 of 1,613,564 alleles (0.66%); highest among the groups gnomAD compares: African/African-American, 13%; 630 homozygotes.

Submissions (9):

Labcorp Genetics (formerly Invitae), Labcorp
Classification: Benign. Last evaluated: 2026-02-01. Review status: criteria provided, single submitter. Criteria: Invitae Variant Classification Sherloc (09022015). Collection method: clinical testing. Allele origin: germline.

GeneDx
Classification: Benign. Last evaluated: 2020-01-05. Review status: criteria provided, single submitter. Criteria: GeneDx Variant Classification Process June 2021. Collection method: clinical testing. Allele origin: germline. Affected: yes.

Personalized Diabetes Medicine Program, University of Maryland School of Medicine
Classification: Benign for Monogenic diabetes. Last evaluated: 2018-12-14. Review status: criteria provided, single submitter. Criteria: ACMG Guidelines, 2015. Collection method: research. Allele origin: unknown. Observed: 30 variant alleles, 27 heterozygotes, 3 homozygotes.
Comment: ACMG criteria: BP4 (REVEL 0.045 + 7 predictors), BA1 (12% in Africans), BS2 (192 homozygotes in gnomAD)= benign

Illumina Laboratory Services, Illumina
Classification: Benign for Neonatal diabetes mellitus with congenital hypothyroidism. Last evaluated: 2018-01-13. Review status: criteria provided, single submitter. Criteria: ICSL Variant Classification Criteria 13 December 2019. Collection method: clinical testing. Allele origin: germline.
Comment: This variant was observed in the ICSL laboratory as part of a predisposition screen in an ostensibly healthy population. It had not been previously curated by ICSL or reported in the Human Gene Mutation Database (HGMD: prior to June 1st, 2018), and was therefore a candidate for classification through an automated scoring system. Utilizing variant allele frequency, disease prevalence and penetrance estimates, and inheritance mode, an automated score was calculated to assess if this variant is too frequent to cause the disease. Based on the score and internal cut-off values, a variant classified as benign is not then subjected to further curation. The score for this variant resulted in a classification of benign for this disease.

Breakthrough Genomics
Classification: Benign. Review status: criteria provided, single submitter. Criteria: ACMG Guidelines, 2015. Collection method: not provided. Allele origin: germline. Inheritance: Autosomal recessive inheritance. Affected: yes.

PreventionGenetics, part of Exact Sciences
Classification: Benign for GLIS3-related condition. Last evaluated: 2019-08-28. Review status: no assertion criteria provided. Collection method: clinical testing. Allele origin: germline. Not counted in ClinVar's aggregate classification.
Comment: This variant is classified as benign based on ACMG/AMP sequence variant interpretation guidelines (Richards et al. 2015 PMID: 25741868, with internal and published modifications).

Clinical Genetics, Academic Medical Center
Classification: Benign. Review status: no assertion criteria provided. Collection method: clinical testing. Allele origin: germline. Affected: yes. Study: VKGL Data-share Consensus. Not counted in ClinVar's aggregate classification.

Genetic Services Laboratory, University of Chicago
Classification: Likely benign for AllHighlyPenetrant. Review status: no assertion criteria provided. Collection method: clinical testing. Allele origin: germline. Inheritance: Autosomal recessive inheritance. Not counted in ClinVar's aggregate classification.
Comment: Likely benign based on allele frequency in 1000 Genomes Project or ESP global frequency and its presence in a patient with a rare or unrelated disease phenotype. NOT Sanger confirmed.

Laboratory of Diagnostic Genome Analysis, Leiden University Medical Center (LUMC)
Classification: Likely benign. Review status: no assertion criteria provided. Collection method: clinical testing. Allele origin: germline. Affected: yes. Study: VKGL Data-share Consensus. Not counted in ClinVar's aggregate classification.